The following is an entry in ClinVar:

NM_000051.4(ATM):c.4674G>A (p.Thr1558=)

Gene: ATM (ATM serine/threonine kinase; plus strand). Cytogenetic location: 11q22.3.
Variant type: single nucleotide variant.
Coding change: c.4674G>A on transcript NM_000051.4 (MANE Select); coding-DNA position 4674, G replaced by A.
Protein change: p.Thr1558=; no amino-acid change (threonine 1558 retained).
Molecular consequence: synonymous variant.
Genome position (GRCh38, 1-based): chr11:108,293,375, G>A. VCF-style: chr11-108293375-G-A. GRCh37 (hg19) VCF-style: chr11-108164102-G-A.
Other names: c.4674G>A, p.Thr1558= (NM_001351834.2).
Identifiers: ClinVar variation 230265 (VCV000230265.26), dbSNP rs876658474, ClinGen allele CA10579163.

ClinVar aggregate classification (germline): Benign/Likely benign. Review status: criteria provided, multiple submitters, no conflicts (2 of 4 stars). 9 submissions from 9 submitters: Benign (2); Likely benign (6). 1 of the submissions does not count toward it. Last evaluated 2025-10-04.

Conditions:
ATM-related cancer predisposition. Also called: ATM-related cancer susceptibility. Identifiers: MedGen CN377759, MONDO:0700270.
Familial cancer of breast. Also called: Hereditary breast cancer; BREAST CANCER, FAMILIAL; hereditary breast carcinoma. Identifiers: Orphanet 227535, MedGen C0346153, MONDO:0016419, OMIM 114480. Disease mechanism: loss of function.
Hereditary cancer-predisposing syndrome. Also called: Hereditary neoplastic syndrome; Neoplastic Syndromes, Hereditary; Hereditary Cancer Syndrome; Tumor predisposition. Identifiers: Orphanet 140162, MedGen C0027672, MeSH D009386, MONDO:0015356.
Ataxia-telangiectasia syndrome (AT). Also called: Ataxia telangiectasia (A-T); Cerebello-oculocutaneous telangiectasia; Immunodeficiency with ataxia telangiectasia; Ataxia-telangiectasia; Ataxia-telangiectasia, complementation group D; AT, COMPLEMENTATION GROUP C. Identifiers: Orphanet 100, MedGen C0004135, MONDO:0008840, OMIM 208900.

Allele frequency attached by ClinVar (database versions not stated): TOPMed 0.00004; gnomAD 0.00003 and 0.00002; gnomAD exomes 0.00001.
gnomAD v4.1: 12 of 1,601,032 alleles (0.00075%); highest among the groups gnomAD compares: Admixed American, 0.0033%; no homozygotes.

Submissions (9):

Labcorp Genetics (formerly Invitae), Labcorp
Classification: Likely benign for Ataxia-telangiectasia syndrome. Last evaluated: 2025-10-04. Review status: criteria provided, single submitter. Criteria: Invitae Variant Classification Sherloc (09022015). Collection method: clinical testing. Allele origin: germline.

Institute for Biomarker Research, Medical Diagnostic Laboratories, L.L.C.
Classification: Likely benign for Hereditary cancer-predisposing syndrome. Last evaluated: 2025-09-10. Review status: criteria provided, single submitter. Criteria: ACMG Guidelines, 2015. Collection method: clinical testing. Allele origin: germline.
Comment: The synonymous variant NM_000051.4(ATM):c.4674G>A (p.Thr1558=) has been reported to ClinVar as Benign/Likely benign with a status of (2 stars) criteria provided, multiple submitters, no conflicts (Variation ID 230265 as of 2025-09-04). The p.Thr1558= variant is not predicted to disrupt an existing splice site. The p.Thr1558= variant results in a substitution of a base that is not predicted conserved by GERP++ and PhyloP. For these reasons, this variant has been classified as Likely Benign.

Department of Pathology and Laboratory Medicine, Sinai Health System
Classification: Likely benign for ATM-related cancer predisposition. Last evaluated: 2024-08-29. Review status: criteria provided, single submitter. Criteria: ACMG Guidelines, 2015. Collection method: clinical testing. Allele origin: germline.

Myriad Genetics, Inc.
Classification: Benign for Familial cancer of breast. Last evaluated: 2024-05-20. Review status: criteria provided, single submitter. Criteria: Myriad Autosomal Dominant, Autosomal Recessive and X-Linked Classification Criteria (2023). Collection method: clinical testing. Allele origin: unknown.
Comment: This variant is considered benign. This variant is a silent/synonymous amino acid change and it is not expected to impact splicing.

Women's Health and Genetics/Laboratory Corporation of America, LabCorp
Classification: Likely benign. Last evaluated: 2019-08-21. Review status: criteria provided, single submitter. Criteria: LabCorp Variant Classification Summary - May 2015. Collection method: clinical testing. Allele origin: germline.

Color Diagnostics, LLC DBA Color Health
Classification: Likely benign for Hereditary cancer-predisposing syndrome. Last evaluated: 2015-10-30. Review status: criteria provided, single submitter. Criteria: ACMG Guidelines, 2015. Collection method: clinical testing. Allele origin: germline.

GeneDx
Classification: Benign. Last evaluated: 2015-08-15. Review status: criteria provided, single submitter. Criteria: GeneDx Variant Classification Process June 2021. Collection method: clinical testing. Allele origin: germline. Affected: yes.

Ambry Genetics
Classification: Likely benign for Hereditary cancer-predisposing syndrome. Last evaluated: 2015-01-30. Review status: criteria provided, single submitter. Criteria: Ambry Variant Classification Scheme 2023. Collection method: clinical testing. Allele origin: germline.

Natera, Inc.
Classification: Likely benign for Ataxia-telangiectasia. Last evaluated: 2020-10-05. Review status: no assertion criteria provided. Collection method: clinical testing. Allele origin: germline. Not counted in ClinVar's aggregate classification.